The following is an entry in ClinVar:

NM_006206.6(PDGFRA):c.2184T>G (p.Asn728Lys)

Gene: PDGFRA (platelet derived growth factor receptor alpha; plus strand). Cytogenetic location: 4q12.
Variant type: single nucleotide variant.
Coding change: c.2184T>G on transcript NM_006206.6 (MANE Select); coding-DNA position 2184, T replaced by G.
Protein change: p.Asn728Lys; replaces asparagine 728 with lysine.
Molecular consequence: missense variant.
Genome position (GRCh38, 1-based): chr4:54,280,343, T>G. VCF-style: chr4-54280343-T-G. GRCh37 (hg19) VCF-style: chr4-55146510-T-G.
Other names: c.2184T>G, p.Asn728Lys (NM_001347827.2, NM_001347829.2); c.2259T>G, p.Asn753Lys (NM_001347828.2); c.2223T>G, p.Asn741Lys (NM_001347830.2); short protein forms N728K, N741K, N753K.
Identifiers: ClinVar variation 944690 (VCV000944690.10), dbSNP rs1724001799, ClinGen allele CA356894250.

ClinVar aggregate classification (germline): Uncertain significance (1 of 4 stars; one submission).

Conditions:
Gastrointestinal stromal tumor. Also called: Gastrointestinal stromal tumor, somatic; Gastrointestinal stroma tumor. Identifiers: Orphanet 44890, MedGen C0238198, MeSH D046152, MONDO:0011719, OMIM 606764, HP:0100723.

gnomAD v4.1: 1 of 1,613,834 alleles (0.000062%); highest among the groups gnomAD compares: Non-Finnish European, 0.000085%; no homozygotes.

Submission:

Labcorp Genetics (formerly Invitae), Labcorp
Classification: Uncertain significance for Gastrointestinal stromal tumor. Last evaluated: 2019-06-29. Review status: criteria provided, single submitter. Criteria: Invitae Variant Classification Sherloc (09022015). Collection method: clinical testing. Allele origin: germline.
Comment: This sequence change replaces asparagine with lysine at codon 728 of the PDGFRA protein (p.Asn728Lys). The asparagine residue is moderately conserved and there is a moderate physicochemical difference between asparagine and lysine. This variant is not present in population databases (ExAC no frequency). This variant has not been reported in the literature in individuals with PDGFRA-related conditions. Algorithms developed to predict the effect of missense changes on protein structure and function (SIFT, PolyPhen-2, Align-GVGD) all suggest that this variant is likely to be tolerated, but these predictions have not been confirmed by published functional studies and their clinical significance is uncertain. Algorithms developed to predict the effect of sequence changes on RNA splicing suggest that this variant may create or strengthen a splice site, but this prediction has not been confirmed by published transcriptional studies. In summary, the available evidence is currently insufficient to determine the role of this variant in disease. Therefore, it has been classified as a Variant of Uncertain Significance.